The following is an entry in ClinVar:

NM_152424.4(AMER1):c.1783G>A (p.Ala595Thr)

Gene: AMER1 (APC membrane recruitment protein 1; minus strand). Cytogenetic location: Xq11.2.
Variant type: single nucleotide variant.
Coding change: c.1783G>A on transcript NM_152424.4 (MANE Select); coding-DNA position 1783, G replaced by A.
Protein change: p.Ala595Thr; replaces alanine 595 with threonine.
Molecular consequence: missense variant.
Genome position (GRCh38, 1-based): chrX:64,191,504, C>T on the plus strand (G>A on the coding strand, the complement: AMER1 is on the minus strand). VCF-style: chrX-64191504-C-T. GRCh37 (hg19) VCF-style: chrX-63411384-C-T.
Other names: short protein forms A595T.
Identifiers: ClinVar variation 1926083 (VCV001926083.5), dbSNP rs149055969, ClinGen allele CA10432286.

ClinVar aggregate classification (germline): Uncertain significance (1 of 4 stars; one submission).

Allele frequency attached by ClinVar (database versions not stated): ExAC 0.00001; gnomAD exomes 0.00001; ESP Exome Variant Server 0.00009.

Submission:

Labcorp Genetics (formerly Invitae), Labcorp
Classification: Uncertain significance. Last evaluated: 2022-04-20. Review status: criteria provided, single submitter. Criteria: Invitae Variant Classification Sherloc (09022015). Collection method: clinical testing. Allele origin: germline.
Comment: This sequence change replaces alanine, which is neutral and non-polar, with threonine, which is neutral and polar, at codon 595 of the AMER1 protein (p.Ala595Thr). This variant is present in population databases (rs149055969, gnomAD 0.008%). This variant has not been reported in the literature in individuals affected with AMER1-related conditions. Algorithms developed to predict the effect of missense changes on protein structure and function output the following: SIFT: "Tolerated"; PolyPhen-2: "Benign"; Align-GVGD: "Class C0". The threonine amino acid residue is found in multiple mammalian species, which suggests that this missense change does not adversely affect protein function. In summary, the available evidence is currently insufficient to determine the role of this variant in disease. Therefore, it has been classified as a Variant of Uncertain Significance.